The following is an entry in ClinVar:

NM_000465.4(BARD1):c.103del (p.Ala35fs)

Gene: BARD1 (BRCA1 associated RING domain 1; minus strand). Cytogenetic location: 2q35.
Variant type: Deletion.
Coding change: c.103del on transcript NM_000465.4 (MANE Select); coding-DNA position 103, one base deleted (G; older notation c.103delG).
Protein change: p.Ala35fs; shifts the reading frame from alanine 35.
Molecular consequence: frameshift variant. On other transcripts: non-coding transcript variant (3).
Genome position (GRCh38, 1-based): chr2:214,809,467, C deleted on the plus strand (G on the coding strand, the reverse complement: BARD1 is on the minus strand); the first of 3 consecutive C bases (chr2:214,809,467-214,809,469); deleting any one gives the same sequence. VCF-style (leftmost placement, unchanged base first): chr2-214809466-GC-G. GRCh37 (hg19) VCF-style: chr2-215674190-GC-G.
Other names: c.103del, p.Ala35fs (NM_001282543.2, NM_001282545.2, NM_001282548.2 and 1 more transcripts); short protein forms A35fs.
Identifiers: ClinVar variation 2583282 (VCV002583282.2), dbSNP rs2469638231, ClinGen allele CA2582342127.
Genomic context (GRCh38, chr2:214,809,466, plus strand): 5'-CTTTACCAACGCGAGCAGCGCAGCAGCTTCTCCAGGCGGTCGAGCGCGGCGCGACTGTGG[GC>G]CCAGGCACCGCGACCATCCGGTTCCATGGCGGGCGCGGAACGAGGCTCGTTCCCGGAGCG-3'

ClinVar aggregate classification (germline): Pathogenic (1 of 4 stars; one submission).

Conditions:
Familial cancer of breast. Also called: Hereditary breast cancer; BREAST CANCER, FAMILIAL; hereditary breast carcinoma. Identifiers: Orphanet 227535, MedGen C0346153, MONDO:0016419, OMIM 114480. Disease mechanism: loss of function.

Submission:

Myriad Genetics, Inc.
Classification: Pathogenic for Familial cancer of breast. Last evaluated: 2023-05-17. Review status: criteria provided, single submitter. Criteria: Myriad Autosomal Dominant, Autosomal Recessive and X-Linked Classification Criteria (2023). Collection method: clinical testing. Allele origin: unknown.
Comment: This variant is considered pathogenic. This variant creates a frameshift predicted to result in premature protein truncation.